The following is an entry in ClinVar:

ClinVar aggregate classification (germline): Pathogenic (1 of 4 stars; one submission).

Conditions:
Fabry disease. Also called: Fabry's disease; ALPHA-GALACTOSIDASE A DEFICIENCY; ANDERSON-FABRY DISEASE; CERAMIDE TRIHEXOSIDASE DEFICIENCY; GLA DEFICIENCY; HEREDITARY DYSTOPIC LIPIDOSIS. Identifiers: Orphanet 324, MedGen C0002986, MONDO:0010526, OMIM 301500, HP:0001071. Disease mechanism: Fabry disease is due to inactivating mutations in the X-linked GLA gene resulting in deficiency of the enzyme Alpha Galactosidase-A., loss of function.

Submission:

Genomenon, Inc
Classification: Pathogenic for Fabry disease. Last evaluated: 2026-09-08. Review status: criteria provided, single submitter. Criteria: Genomenon Sequence Variant Interpretation Standards - Updated. Collection method: curation. Allele origin: germline. Affected: yes.
Comment: GLA p.Ile359AspfsTer16 (c.1073dup) is a frameshift variant that is predicted to introduce a premature termination codon and result in a truncated or absent protein product. This variant has been observed in at least one proband with clinical features consistent with Fabry disease (PMID:33915609;25666440). Functional or patient cell studies have been reported (PMID:33915609;25666440). It is absent or not present at a significant frequency in gnomAD. In conclusion, we classify GLA p.Ile359AspfsTer16 (c.1073dup) as a pathogenic variant.

Literature cited by the submitters: PubMed 33915609; PubMed 25666440.

NM_000169.3(GLA):c.1073dup (p.Ile359fs)

Genes: GLA (galactosidase alpha; minus strand), RPL36A-HNRNPH2 (RPL36A-HNRNPH2 readthrough; plus strand). Cytogenetic location: Xq22.1.
Variant type: Duplication.
Coding change: c.1073dup on transcript NM_000169.3 (MANE Select); coding-DNA position 1073, one base duplicated (A; older notation c.1073dupA).
Protein change: p.Ile359fs; shifts the reading frame from isoleucine 359.
Molecular consequence: frameshift variant. On other transcripts: non-coding transcript variant (3), intron variant (2).
Genome position (GRCh38, 1-based): chrX:101,398,026, T duplicated on the plus strand (A on the coding strand, the reverse complement: GLA is on the minus strand). VCF-style (leftmost placement, unchanged base first): chrX-101398025-C-CT. GRCh37 (hg19) VCF-style: chrX-100653013-C-CT.
Other names: c.1196dup, p.Ile400fs (NM_001406747.1); c.300+2569dup (NM_001199973.2); c.177+6204dup (NM_001199974.2); short protein forms I359fs, I400fs.
Identifiers: ClinVar variation 4974837 (VCV004974837.1).